The following is an entry in ClinVar:

ClinVar aggregate classification (germline): Benign (1 of 4 stars; one submission).

Submission:

CeGaT Center for Human Genetics Tuebingen
Classification: Benign. Last evaluated: 2022-09-01. Review status: criteria provided, single submitter. Criteria: CeGaT Center For Human Genetics Tuebingen Variant Classification Criteria Version 2. Collection method: clinical testing. Allele origin: germline. Affected: yes. Observed: 1 variant allele.
Comment: ATXN2: BS1, BS2

NM_001372574.1(ATXN2):c.71_72insACAGCAGCAGCA (p.Gln28_Pro29insGlnGlnGlnGln)

Genes: ATXN2 (ataxin 2; minus strand), LOC130008791 (ATAC-STARR-seq lymphoblastoid silent region 4872; plus strand). Cytogenetic location: 12q24.12.
Variant type: Microsatellite.
Coding change: c.71_72insACAGCAGCAGCA on transcript NM_001372574.1 (MANE Select); coding-DNA positions 71 to 72, ACAGCAGCAGCA inserted.
Protein change: p.Gln28_Pro29insGlnGlnGlnGln.
Molecular consequence: inframe insertion. On other transcripts: non-coding transcript variant (1), intron variant (2).
Genome position: GRCh38 VCF-style: chr12-111598963-C-CTGCTGCTGCTGT. GRCh37 (hg19) VCF-style: chr12-112036767-C-CTGCTGCTGCTGT.
Other names: c.71_72insACAGCAGCAGCA, p.Gln28_Pro29insGlnGlnGlnGln (NM_002973.4); c.-28+611_-28+612insCAGCAGCAGCAA (NM_001310123.1); c.-65+611_-65+612insCAGCAGCAGCAA (NM_001310121.1).
Identifiers: ClinVar variation 2643323 (VCV002643323.24), dbSNP rs1555246688.
Genomic context (GRCh38, chr12:111,598,963, plus strand): 5'-AAGGCCGCTGCCGCCGGGCTTGCGGACATTGGCAGCCGCGGGCGGCGGCTGCTGCTGCTG[C>CTGCTGCTGCTGT]TGCTGCTGCTGCTGTTGCTGCTGCTGCTGCTGCTGCTGCTGCTGCTGCTGCTGCTGGGGC-3'